The following is an entry in ClinVar:

NM_002633.3(PGM1):c.602G>T (p.Ser201Ile)

Gene: PGM1 (phosphoglucomutase 1; plus strand). Cytogenetic location: 1p31.3.
Variant type: single nucleotide variant.
Coding change: c.602G>T on transcript NM_002633.3 (MANE Select); coding-DNA position 602, G replaced by T.
Protein change: p.Ser201Ile; replaces serine 201 with isoleucine.
Molecular consequence: missense variant.
Genome position (GRCh38, 1-based): chr1:63,631,702, G>T. VCF-style: chr1-63631702-G-T. GRCh37 (hg19) VCF-style: chr1-64097373-G-T.
Other names: c.656G>T, p.Ser219Ile (NM_001172818.1); c.11G>T, p.Ser4Ile (NM_001172819.2); short protein forms S219I, S4I, S201I.
Identifiers: ClinVar variation 1962912 (VCV001962912.5), dbSNP rs139241922, ClinGen allele CA889583.
Genomic context (GRCh38, chr1:63,631,702, plus strand): 5'-TGCTTGTTCTCACAGTGGAAATTGTGGATTCGGTAGAAGCTTATGCTACAATGCTGAGAA[G>T]CATCTTTGATTTCAGTGCACTGAAAGAACTACTTTCTGGGCCAAACCGACTGAAGATCCG-3'
Protein context (NP_002624.2, residues 191-211): SVEAYATMLR[Ser201Ile]IFDFSALKEL

ClinVar aggregate classification (germline): Uncertain significance (1 of 4 stars; one submission).

Conditions:
PGM1-congenital disorder of glycosylation. Also called: PHOSPHOGLUCOMUTASE 1 DEFICIENCY; PGM1 DEFICIENCY; GLYCOGEN STORAGE DISEASE XIV; GSD XIV; Congenital disorder of glycosylation type 1t; CDG It. Identifiers: Orphanet 319646, MedGen C2752015, MONDO:0013968, OMIM 614921.

Submission:

Labcorp Genetics (formerly Invitae), Labcorp
Classification: Uncertain significance for PGM1-congenital disorder of glycosylation. Last evaluated: 2022-10-13. Review status: criteria provided, single submitter. Criteria: Invitae Variant Classification Sherloc (09022015). Collection method: clinical testing. Allele origin: germline.
Comment: This variant is present in population databases (rs139241922, gnomAD 0.0009%). In summary, the available evidence is currently insufficient to determine the role of this variant in disease. Therefore, it has been classified as a Variant of Uncertain Significance. Algorithms developed to predict the effect of sequence changes on RNA splicing suggest that this variant may create or strengthen a splice site. Advanced modeling of protein sequence and biophysical properties (such as structural, functional, and spatial information, amino acid conservation, physicochemical variation, residue mobility, and thermodynamic stability) performed at Invitae indicates that this missense variant is not expected to disrupt PGM1 protein function. This variant has not been reported in the literature in individuals affected with PGM1-related conditions. This sequence change replaces serine, which is neutral and polar, with isoleucine, which is neutral and non-polar, at codon 201 of the PGM1 protein (p.Ser201Ile).